The following is an entry in ClinVar:

NM_172351.3(CD46):c.128C>T (p.Ala43Val)

Gene: CD46 (CD46 molecule; plus strand). Cytogenetic location: 1q32.2.
Variant type: single nucleotide variant.
Coding change: c.128C>T on transcript NM_172351.3 (MANE Select); coding-DNA position 128, C replaced by T.
Protein change: p.Ala43Val; replaces alanine 43 with valine.
Molecular consequence: missense variant.
Genome position (GRCh38, 1-based): chr1:207,757,044, C>T. VCF-style: chr1-207757044-C-T. GRCh37 (hg19) VCF-style: chr1-207930389-C-T.
Other names: c.128C>T, p.Ala43Val (NM_002389.4, NM_153826.4, NM_172350.3 and 8 more transcripts); short protein forms A43V.
Identifiers: ClinVar variation 2130701 (VCV002130701.4), dbSNP rs1304631027, ClinGen allele CA344547960.

ClinVar aggregate classification (germline): Uncertain significance (1 of 4 stars; one submission).

Allele frequency attached by ClinVar (database versions not stated): gnomAD exomes 0.00001.
gnomAD v4.1: 20 of 1,614,030 alleles (0.0012%); highest among the groups gnomAD compares: Non-Finnish European, 0.0016%; no homozygotes.

Submission:

Labcorp Genetics (formerly Invitae), Labcorp
Classification: Uncertain significance. Last evaluated: 2022-04-25. Review status: criteria provided, single submitter. Criteria: Invitae Variant Classification Sherloc (09022015). Collection method: clinical testing. Allele origin: germline.
Comment: This sequence change replaces alanine, which is neutral and non-polar, with valine, which is neutral and non-polar, at codon 43 of the CD46 protein (p.Ala43Val). This variant is present in population databases (no rsID available, gnomAD 0.0009%). This variant has not been reported in the literature in individuals affected with CD46-related conditions. Algorithms developed to predict the effect of missense changes on protein structure and function are either unavailable or do not agree on the potential impact of this missense change (SIFT: "Tolerated"; PolyPhen-2: "Probably Damaging"; Align-GVGD: "Class C0"). In summary, the available evidence is currently insufficient to determine the role of this variant in disease. Therefore, it has been classified as a Variant of Uncertain Significance.